The following is an entry in ClinVar:

NM_002528.7(NTHL1):c.77A>G (p.Glu26Gly)

Gene: NTHL1 (nth like DNA glycosylase 1; minus strand). Cytogenetic location: 16p13.3.
Variant type: single nucleotide variant.
Coding change: c.77A>G on transcript NM_002528.7 (MANE Select); coding-DNA position 77, A replaced by G.
Protein change: p.Glu26Gly; replaces glutamic acid 26 with glycine.
Molecular consequence: missense variant. On other transcripts: 5 prime UTR variant (1).
Genome position (GRCh38, 1-based): chr16:2,047,747, T>C on the plus strand (A>G on the coding strand, the complement: NTHL1 is on the minus strand). VCF-style: chr16-2047747-T-C. GRCh37 (hg19) VCF-style: chr16-2097748-T-C.
Other names: c.101A>G (NM_002528.5); c.77A>G, p.Glu26Gly (NM_001318193.2); c.-102A>G (NM_001318194.2); short protein forms E26G.
Identifiers: ClinVar variation 1716550 (VCV001716550.6), dbSNP rs763847748, ClinGen allele CA394298354.

ClinVar aggregate classification (germline): Uncertain significance. Review status: criteria provided, multiple submitters, no conflicts (2 of 4 stars). 2 submissions from 2 submitters: Uncertain significance (2). Last evaluated 2024-12-20.

Conditions:
Hereditary cancer-predisposing syndrome. Also called: Neoplastic Syndromes, Hereditary; Tumor predisposition; Hereditary Cancer Syndrome; Hereditary neoplastic syndrome. Identifiers: Orphanet 140162, MedGen C0027672, MeSH D009386, MONDO:0015356.

Submissions (2):

Ambry Genetics
Classification: Uncertain significance for Hereditary cancer-predisposing syndrome. Last evaluated: 2024-12-20. Review status: criteria provided, single submitter. Criteria: Ambry Variant Classification Scheme 2023. Collection method: clinical testing. Allele origin: germline.
Comment: The p.E34G variant (also known as c.101A>G), located in coding exon 1 of the NTHL1 gene, results from an A to G substitution at nucleotide position 101. The glutamic acid at codon 34 is replaced by glycine, an amino acid with similar properties. This amino acid position is conserved. In addition, this alteration is predicted to be tolerated by in silico analysis. Based on the available evidence, the clinical significance of this variant remains unclear.

Labcorp Genetics (formerly Invitae), Labcorp
Classification: Uncertain significance. Last evaluated: 2022-07-17. Review status: criteria provided, single submitter. Criteria: Invitae Variant Classification Sherloc (09022015). Collection method: clinical testing. Allele origin: germline.
Comment: In summary, the available evidence is currently insufficient to determine the role of this variant in disease. Therefore, it has been classified as a Variant of Uncertain Significance. Algorithms developed to predict the effect of missense changes on protein structure and function are either unavailable or do not agree on the potential impact of this missense change (SIFT: "Not Available"; PolyPhen-2: "Probably Damaging"; Align-GVGD: "Not Available"). This variant has not been reported in the literature in individuals affected with NTHL1-related conditions. This variant is not present in population databases (gnomAD no frequency). This sequence change replaces glutamic acid, which is acidic and polar, with glycine, which is neutral and non-polar, at codon 34 of the NTHL1 protein (p.Glu34Gly).